The following is an entry in ClinVar:

NM_015295.3(SMCHD1):c.4156C>G (p.Leu1386Val)

Gene: SMCHD1 (structural maintenance of chromosomes flexible hinge domain containing 1; plus strand). Cytogenetic location: 18p11.32.
Variant type: single nucleotide variant.
Coding change: c.4156C>G on transcript NM_015295.3 (MANE Select); coding-DNA position 4156, C replaced by G.
Protein change: p.Leu1386Val; replaces leucine 1386 with valine.
Molecular consequence: missense variant.
Genome position (GRCh38, 1-based): chr18:2,750,498, C>G. VCF-style: chr18-2750498-C-G. GRCh37 (hg19) VCF-style: chr18-2750496-C-G.
Other names: short protein forms L1386V.
Identifiers: ClinVar variation 2701986 (VCV002701986.3), dbSNP rs2510121553, ClinGen allele CA401692360.
Genomic context (GRCh38, chr18:2,750,498, plus strand): 5'-GAAAAACCCGTTCGTCTCAATGTTAAATATGACAAAGATGCATCCTTCTTAGCAGGGGGT[C>G]TTTTCACTGGTGAGTATTTCACATACATAAATAAATCTATAATGATAATTTGCTTTGTAC-3'
Protein context (NP_056110.2, residues 1376-1396): DKDASFLAGG[Leu1386Val]FTDFMISVIS

ClinVar aggregate classification (germline): Uncertain significance (1 of 4 stars; one submission).

Conditions:
Facioscapulohumeral muscular dystrophy 2 (FSHD2). Also called: MUSCULAR DYSTROPHY, FACIOSCAPULOHUMERAL, TYPE 1B; FACIOSCAPULOHUMERAL MUSCULAR DYSTROPHY 2, DIGENIC; FSHD2, DIGENIC. Identifiers: Orphanet 269, MedGen C1834671, MONDO:0008031, OMIM 158901.

Submission:

Labcorp Genetics (formerly Invitae), Labcorp
Classification: Uncertain significance for Facioscapulohumeral muscular dystrophy 2. Last evaluated: 2023-12-10. Review status: criteria provided, single submitter. Criteria: Invitae Variant Classification Sherloc (09022015). Collection method: clinical testing. Allele origin: germline.
Comment: This sequence change replaces leucine, which is neutral and non-polar, with valine, which is neutral and non-polar, at codon 1386 of the SMCHD1 protein (p.Leu1386Val). This variant is not present in population databases (gnomAD no frequency). This variant has not been reported in the literature in individuals affected with SMCHD1-related conditions. Advanced modeling of protein sequence and biophysical properties (such as structural, functional, and spatial information, amino acid conservation, physicochemical variation, residue mobility, and thermodynamic stability) performed at Invitae indicates that this missense variant is not expected to disrupt SMCHD1 protein function with a negative predictive value of 80%. In summary, the available evidence is currently insufficient to determine the role of this variant in disease. Therefore, it has been classified as a Variant of Uncertain Significance.